The following is an entry in ClinVar:

NM_001458.5(FLNC):c.3746A>G (p.Asp1249Gly)

Gene: FLNC (filamin C; plus strand). Cytogenetic location: 7q32.1.
Variant type: single nucleotide variant.
Coding change: c.3746A>G on transcript NM_001458.5 (MANE Select); coding-DNA position 3746, A replaced by G.
Protein change: p.Asp1249Gly; replaces aspartic acid 1249 with glycine.
Molecular consequence: missense variant.
Genome position (GRCh38, 1-based): chr7:128,845,211, A>G. VCF-style: chr7-128845211-A-G. GRCh37 (hg19) VCF-style: chr7-128485265-A-G.
Other names: c.3746A>G, p.Asp1249Gly (NM_001127487.2); short protein forms D1249G.
Identifiers: ClinVar variation 4812778 (VCV004812778.1).

ClinVar aggregate classification (germline): Uncertain significance (1 of 4 stars; one submission).

Conditions:
Hypertrophic cardiomyopathy 26. Also called: Cardiomyopathy, familial hypertrophic, 26. Identifiers: Orphanet 75249, MedGen C4310749, MONDO:0014883, OMIM 617047.
Myofibrillar myopathy 5. Also called: Filaminopathy (type); FILAMINOPATHY, AUTOSOMAL DOMINANT. Identifiers: Orphanet 171445, MedGen C1836050, MONDO:0012289, OMIM 609524.
Distal myopathy with posterior leg and anterior hand involvement. Also called: WILLIAMS DISTAL MYOPATHY. Identifiers: Orphanet 63273, MedGen C3279722, MONDO:0013550, OMIM 614065.

Submission:

Labcorp Genetics (formerly Invitae), Labcorp
Classification: Uncertain significance for Distal myopathy with posterior leg and anterior hand involvement; Myofibrillar myopathy 5; Hypertrophic cardiomyopathy 26. Last evaluated: 2025-06-09. Review status: criteria provided, single submitter. Criteria: Invitae Variant Classification Sherloc (09022015). Collection method: clinical testing. Allele origin: germline.
Comment: This sequence change replaces aspartic acid, which is acidic and polar, with glycine, which is neutral and non-polar, at codon 1249 of the FLNC protein (p.Asp1249Gly). This variant is not present in population databases (gnomAD no frequency). This variant has not been reported in the literature in individuals affected with FLNC-related conditions. Invitae Evidence Modeling of protein sequence and biophysical properties (such as structural, functional, and spatial information, amino acid conservation, physicochemical variation, residue mobility, and thermodynamic stability) has been performed for this missense variant. However, the output from this modeling did not meet the statistical confidence thresholds required to predict the impact of this variant on FLNC protein function. In summary, the available evidence is currently insufficient to determine the role of this variant in disease. Therefore, it has been classified as a Variant of Uncertain Significance.